The following is an entry in ClinVar:

ClinVar aggregate classification (germline): Pathogenic (1 of 4 stars; one submission).

Conditions:
Alpha thalassemia-X-linked intellectual disability syndrome (ATRX). Also called: ALPHA-THALASSEMIA/MENTAL RETARDATION SYNDROME, X-LINKED; ATR, NONDELETION TYPE; ATR-X syndrome; Alpha thalassemia mental retardation syndrome, nondeletion type, X-linked; XLMR hypotonic face syndrome; X-linked alpha-thalassemia-mental retardation syndrome. Identifiers: Orphanet 847, MedGen C1845055, MONDO:0010519, OMIM 301040.

Submission:

Labcorp Genetics (formerly Invitae), Labcorp
Classification: Pathogenic for Alpha thalassemia-X-linked intellectual disability syndrome. Last evaluated: 2020-08-09. Review status: criteria provided, single submitter. Criteria: Invitae Variant Classification Sherloc (09022015). Collection method: clinical testing. Allele origin: germline.
Comment: For these reasons, this variant has been classified as Pathogenic. Loss-of-function variants in ATRX are known to be pathogenic (PMID: 18409179, 23681356). This variant has not been reported in the literature in individuals with ATRX-related conditions. This variant is an out-of-frame deletion of the genomic region encompassing exon(s) 8-9 of the ATRX gene. This is expected to create a premature translational stop signal and result in an absent or disrupted protein product.

Literature cited by the submitters: PubMed 18409179; PubMed 23681356.

NC_000023.10:g.(?_76937002)_(76940508_?)del

Gene: ATRX (ATRX chromatin remodeler; minus strand). Cytogenetic location: Xq21.1.
Variant type: Deletion.
Identifiers: ClinVar variation 1072395 (VCV001072395.7).